The following is an entry in ClinVar:

ClinVar aggregate classification (germline): Uncertain significance (1 of 4 stars; one submission).

Conditions:
Adenylosuccinate lyase deficiency (ADSLD). Also called: ADSL DEFICIENCY. Identifiers: Orphanet 46, MedGen C0268126, MONDO:0007068, OMIM 103050.

Submission:

Labcorp Genetics (formerly Invitae), Labcorp
Classification: Uncertain significance for Adenylosuccinate lyase deficiency. Last evaluated: 2022-08-12. Review status: criteria provided, single submitter. Criteria: Invitae Variant Classification Sherloc (09022015). Collection method: clinical testing. Allele origin: germline.
Comment: This variant occurs in a non-coding region of the ADSL gene. It does not change the encoded amino acid sequence of the ADSL protein. This variant is not present in population databases (gnomAD no frequency). This variant has not been reported in the literature in individuals affected with ADSL-related conditions. In summary, the available evidence is currently insufficient to determine the role of this variant in disease. Therefore, it has been classified as a Variant of Uncertain Significance.

NM_000026.4(ADSL):c.-10C>G

Gene: ADSL (adenylosuccinate lyase; plus strand). Cytogenetic location: 22q13.1.
Variant type: single nucleotide variant.
Coding change: c.-10C>G on transcript NM_000026.4 (MANE Select); 10 bases upstream of the start codon, C replaced by G.
Molecular consequence: 5 prime UTR variant. On other transcripts: non-coding transcript variant (1).
Genome position (GRCh38, 1-based): chr22:40,346,549, C>G. VCF-style: chr22-40346549-C-G. GRCh37 (hg19) VCF-style: chr22-40742553-C-G.
Other names: c.-10C>G (NM_001123378.3, NM_001363840.3, NM_001410812.1 and 2 more transcripts); c.-147C>G (NM_001317923.2).
Identifiers: ClinVar variation 1977635 (VCV001977635.5), dbSNP rs1256340467, ClinGen allele CA2580099869.